The following is an entry in ClinVar:

NM_025215.6(PUS1):c.450dup (p.Ala151fs)

Gene: PUS1 (pseudouridine synthase 1; plus strand). Cytogenetic location: 12q24.33.
Variant type: Duplication.
Coding change: c.450dup on transcript NM_025215.6 (MANE Select); coding-DNA position 450, one base duplicated (C; older notation c.450dupC).
Protein change: p.Ala151fs; shifts the reading frame from alanine 151.
Molecular consequence: frameshift variant.
Genome position (GRCh38, 1-based): chr12:131,939,181, C duplicated; the last of 2 consecutive C bases (chr12:131,939,180-131,939,181); duplicating either gives the same sequence. VCF-style (leftmost placement, unchanged base first): chr12-131939179-T-TC. GRCh37 (hg19) VCF-style: chr12-132423724-T-TC.
Other names: c.366dup, p.Ala123fs (NM_001002019.3, NM_001002020.3); short protein forms A151fs, A123fs.
Identifiers: ClinVar variation 2046890 (VCV002046890.4), dbSNP rs2540870148, ClinGen allele CA2580085968.

ClinVar aggregate classification (germline): Pathogenic (1 of 4 stars; one submission).

Submission:

Labcorp Genetics (formerly Invitae), Labcorp
Classification: Pathogenic. Last evaluated: 2021-12-18. Review status: criteria provided, single submitter. Criteria: Invitae Variant Classification Sherloc (09022015). Collection method: clinical testing. Allele origin: germline.
Comment: For these reasons, this variant has been classified as Pathogenic. This variant has not been reported in the literature in individuals affected with PUS1-related conditions. This variant is not present in population databases (gnomAD no frequency). This sequence change creates a premature translational stop signal (p.Ala151Argfs*14) in the PUS1 gene. It is expected to result in an absent or disrupted protein product. Loss-of-function variants in PUS1 are known to be pathogenic (PMID: 17056637, 19731322, 25058219, 26556812).

Literature cited by the submitters: PubMed 17056637; PubMed 19731322; PubMed 25058219; PubMed 26556812.